The following is an entry in ClinVar:

ClinVar aggregate classification (germline): Uncertain significance (1 of 4 stars; one submission).

Conditions:
Facioscapulohumeral muscular dystrophy 2 (FSHD2). Also called: MUSCULAR DYSTROPHY, FACIOSCAPULOHUMERAL, TYPE 1B; FACIOSCAPULOHUMERAL MUSCULAR DYSTROPHY 2, DIGENIC; FSHD2, DIGENIC. Identifiers: Orphanet 269, MedGen C1834671, MONDO:0008031, OMIM 158901.

Submission:

Labcorp Genetics (formerly Invitae), Labcorp
Classification: Uncertain significance for Facioscapulohumeral muscular dystrophy 2. Last evaluated: 2023-04-17. Review status: criteria provided, single submitter. Criteria: Invitae Variant Classification Sherloc (09022015). Collection method: clinical testing. Allele origin: germline.
Comment: This sequence change replaces glycine, which is neutral and non-polar, with aspartic acid, which is acidic and polar, at codon 24 of the SMCHD1 protein (p.Gly24Asp). This variant is not present in population databases (gnomAD no frequency). This variant has not been reported in the literature in individuals affected with SMCHD1-related conditions. An algorithm developed to predict the effect of missense changes on protein structure and function (PolyPhen-2) suggests that this variant is likely to be tolerated. In summary, the available evidence is currently insufficient to determine the role of this variant in disease. Therefore, it has been classified as a Variant of Uncertain Significance.

NM_015295.3(SMCHD1):c.71G>A (p.Gly24Asp)

Gene: SMCHD1 (structural maintenance of chromosomes flexible hinge domain containing 1; plus strand). Cytogenetic location: 18p11.32.
Variant type: single nucleotide variant.
Coding change: c.71G>A on transcript NM_015295.3 (MANE Select); coding-DNA position 71, G replaced by A.
Protein change: p.Gly24Asp; replaces glycine 24 with aspartic acid.
Molecular consequence: missense variant.
Genome position (GRCh38, 1-based): chr18:2,656,146, G>A. VCF-style: chr18-2656146-G-A. GRCh37 (hg19) VCF-style: chr18-2656145-G-A.
Other names: short protein forms G24D.
Identifiers: ClinVar variation 2854268 (VCV002854268.3), dbSNP rs1281293029, ClinGen allele CA401684819.